The following is an entry in ClinVar:

ClinVar aggregate classification (germline): Likely benign (1 of 4 stars; one submission).

gnomAD v4.1: 240 of 1,613,792 alleles (0.015%); highest among the groups gnomAD compares: Non-Finnish European, 0.019%; no homozygotes.

Submission:

Mayo Clinic Laboratories, Mayo Clinic
Classification: Likely benign. Last evaluated: 2025-10-16. Review status: criteria provided, single submitter. Criteria: ACMG Guidelines, 2015. Collection method: clinical testing. Allele origin: germline. Observed: 1 variant allele.
Comment: BP4, BP7

NM_005223.4(DNASE1):c.657C>T (p.Pro219=)

Gene: DNASE1 (deoxyribonuclease 1; plus strand). Cytogenetic location: 16p13.3.
Variant type: single nucleotide variant.
Coding change: c.657C>T on transcript NM_005223.4 (MANE Select); coding-DNA position 657, C replaced by T.
Protein change: p.Pro219=; no amino-acid change (proline 219 retained).
Molecular consequence: synonymous variant. On other transcripts: non-coding transcript variant (2).
Genome position (GRCh38, 1-based): chr16:3,657,294, C>T. VCF-style: chr16-3657294-C-T. GRCh37 (hg19) VCF-style: chr16-3707295-C-T.
Other names: p.Pro219=; c.657C>T, p.Pro219= (NM_001351825.2, NM_001387135.1, NM_001387140.1); c.726C>T, p.Pro242= (NM_001387139.1); c.450C>T, p.Pro150= (NM_001387141.1).
Identifiers: ClinVar variation 4684071 (VCV004684071.1).
Genomic context (GRCh38, chr16:3,657,294, plus strand): 5'-ACCCTCCCAGTGGTCATCCATCCGCCTGTGGACAAGCCCCACCTTCCAGTGGCTGATCCC[C>T]GACAGCGCTGACACCACAGCTACACCCACGCACTGTGCCTATGACAGGTGAGCAGGGCCT-3'
Protein context (NP_005214.2, residues 209-229): WTSPTFQWLI[Pro219=]DSADTTATPT